The following is an entry in ClinVar:

ClinVar aggregate classification (germline): Likely pathogenic. Review status: criteria provided, multiple submitters, no conflicts (2 of 4 stars). 2 submissions from 2 submitters: Likely pathogenic (2). Last evaluated 2025-06-24.

Conditions:
VPS13A-related neurodegenerative disease. Also called: LEVINE-CRITCHLEY SYNDROME; Choreoacanthocytosis; Chorea-acanthocytosis; VPS13A Disease; Choreaacanthocytosis; ACANTHOCYTOSIS WITH NEUROLOGIC DISORDER. Identifiers: Orphanet 2388, MedGen C0393576, MONDO:0008695, OMIM 200150.

Submissions (2):

Myriad Genetics, Inc.
Classification: Likely pathogenic for VPS13A-related neurodegenerative disease. Last evaluated: 2025-06-24. Review status: criteria provided, single submitter. Criteria: Myriad Autosomal Dominant, Autosomal Recessive and X-Linked Classification Criteria (2023). Collection method: clinical testing. Allele origin: unknown.
Comment: NM_033305.2(VPS13A):c.3812+2T>C is a variant in a canonical splice site classified as likely pathogenic in the context of VPS13A disease. c.3812+2T>C has not been observed in cases with relevant disease. Relevant functional assessments of this variant are not available in the literature. c.3812+2T>C has not been observed in referenced population frequency databases. In summary, NM_033305.2(VPS13A):c.3812+2T>C is a variant in a canonical splice site in a gene where loss of function is a known mechanism of disease and is predicted to disrupt protein function. Please note: this variant was assessed in the context of healthy population screening.

Natera, Inc.
Classification: Likely pathogenic for Choreaacanthocytosis. Last evaluated: 2025-01-22. Review status: criteria provided, single submitter. Criteria: Natera Variant Classification Schema (03/2026). Collection method: clinical testing. Allele origin: germline.
Comment: The c.3812+2T>C variant in VPS13A is a canonical splice donor site variant predicted to affect pre-mRNA splicing, which may result in an abnormal transcript and altered protein product. This variant is expected to result in nonsense mediated decay, truncation, or a dysfunctional protein product. This variant is rare in the general population with a frequency below the threshold expected for the associated phenotype(s). Given the available evidence, this variant is classified as Likely Pathogenic.

NM_033305.3(VPS13A):c.3812+2T>C

Gene: VPS13A (vacuolar protein sorting 13 homolog A; plus strand). Cytogenetic location: 9q21.2.
Variant type: single nucleotide variant.
Coding change: c.3812+2T>C on transcript NM_033305.3 (MANE Select); the canonical splice donor site of the intron after coding-DNA position 3812, T replaced by C.
Molecular consequence: splice donor variant.
Genome position (GRCh38, 1-based): chr9:77,295,848, T>C. VCF-style: chr9-77295848-T-C. GRCh37 (hg19) VCF-style: chr9-79910764-T-C.
Other names: c.3812+2T>C (NM_033305.2, NM_015186.4, NM_001018038.3); c.3695+2T>C (NM_001018037.2).
Identifiers: ClinVar variation 4081819 (VCV004081819.2).